The following is an entry in ClinVar:

NC_000003.11:g.(?_49456384)_(49459947_?)dup

Genes: AMT (aminomethyltransferase; minus strand), NICN1 (nicolin 1, tubulin polyglutamylase complex subunit; minus strand). Cytogenetic location: 3p21.31.
Variant type: Duplication.
Identifiers: ClinVar variation 2423145 (VCV002423145.7).

ClinVar aggregate classification (germline): Uncertain significance (1 of 4 stars; one submission).

Conditions:
Glycine encephalopathy. Also called: Nonketotic hyperglycinemia; Non-ketotic hyperglycinemia. Identifiers: Orphanet 407, MedGen C0751748, MONDO:0011612, HP:0008288.

Submission:

Labcorp Genetics (formerly Invitae), Labcorp
Classification: Uncertain significance for Glycine encephalopathy. Last evaluated: 2022-06-14. Review status: criteria provided, single submitter. Criteria: Invitae Variant Classification Sherloc (09022015). Collection method: clinical testing. Allele origin: germline.
Comment: In summary, the available evidence is currently insufficient to determine the role of this variant in disease. Therefore, it has been classified as a Variant of Uncertain Significance. Experimental studies and prediction algorithms are not available or were not evaluated, and the functional significance of this variant is currently unknown. This variant has not been reported in the literature in individuals affected with AMT-related conditions. This variant results in a copy number gain of the genomic region encompassing exon(s) 1-7 of the AMT gene. This region includes the initiator codon of the gene. This copy number gain extends beyond the assayed region for this gene and therefore may encompass additional genes. As the precise location of this event is unknown, it may be in tandem or it may be located elsewhere in the genome.